The following is an entry in ClinVar:

NM_001190737.2(NFIB):c.147G>A (p.Met49Ile)

Gene: NFIB (nuclear factor I B; minus strand). Cytogenetic location: 9p22.3.
Variant type: single nucleotide variant.
Coding change: c.147G>A on transcript NM_001190737.2 (MANE Select); coding-DNA position 147, G replaced by A.
Protein change: p.Met49Ile; replaces methionine 49 with isoleucine.
Molecular consequence: missense variant. On other transcripts: initiator codon variant (1).
Genome position (GRCh38, 1-based): chr9:14,307,404, C>T on the plus strand (G>A on the coding strand, the complement: NFIB is on the minus strand). VCF-style: chr9-14307404-C-T. GRCh37 (hg19) VCF-style: chr9-14307403-C-T.
Other names: c.225G>A, p.Met75Ile (NM_001190738.2); c.213G>A, p.Met71Ile (NM_001369458.1, NM_001369459.1, NM_001369462.1 and 1 more transcripts); c.135G>A, p.Met45Ile (NM_001369460.1, NM_001369463.1, NM_001369466.1 and 4 more transcripts); c.147G>A, p.Met49Ile (NM_001369461.1, NM_001369464.1, NM_001369471.1 and 5 more transcripts); c.120G>A, p.Met40Ile (NM_001369465.1, NM_001369467.1, NM_001369476.1); c.3G>A, p.Met1Ile (NM_001369469.1); c.132G>A, p.Met44Ile (NM_001369474.1); short protein forms M1I, M40I, M44I, M45I, M49I, M71I, M75I.
Identifiers: ClinVar variation 4538979 (VCV004538979.1).

ClinVar aggregate classification (germline): Uncertain significance (1 of 4 stars; one submission).

Submission:

GeneDx
Classification: Uncertain significance. Last evaluated: 2025-06-21. Review status: criteria provided, single submitter. Criteria: GeneDx Variant Classification Process June 2021. Collection method: clinical testing. Allele origin: germline. Affected: yes.
Comment: Not observed at significant frequency in large population cohorts (gnomAD); In silico analysis supports that this missense variant has a deleterious effect on protein structure/function; Has not been previously published as pathogenic or benign to our knowledge